The following is an entry in ClinVar:

NM_000256.3(MYBPC3):c.26-1G>T

Gene: MYBPC3 (myosin binding protein C3; minus strand). Cytogenetic location: 11p11.2.
Variant type: single nucleotide variant.
Coding change: c.26-1G>T on transcript NM_000256.3 (MANE Select); the canonical splice acceptor site of the intron before coding-DNA position 26, G replaced by T.
Molecular consequence: splice acceptor variant.
Genome position (GRCh38, 1-based): chr11:47,351,506, C>A on the plus strand (G>T on the coding strand, the complement: MYBPC3 is on the minus strand). VCF-style: chr11-47351506-C-A. GRCh37 (hg19) VCF-style: chr11-47373057-C-A.
Identifiers: ClinVar variation 2444293 (VCV002444293.2), dbSNP rs1222795773, ClinGen allele CA380342078.

ClinVar aggregate classification (germline): Pathogenic (1 of 4 stars; one submission).

Conditions:
Hypertrophic cardiomyopathy 4. Also called: Familial hypertrophic cardiomyopathy 4. Identifiers: MedGen C1861862, MONDO:0007268, OMIM 115197.

Submission:

3billion
Classification: Pathogenic for Hypertrophic cardiomyopathy 4. Last evaluated: 2024-12-12. Review status: criteria provided, single submitter. Criteria: ACMG Guidelines, 2015. Collection method: clinical testing. Allele origin: germline. Affected: yes.
Comment: The variant is not observed in the gnomAD v4.1.0 dataset. Predicted Consequence/Location: Canonical splice site: predicted to alter splicing and result in a loss or disruption of normal protein function. Multiple pathogenic loss-of-function variants are reported downstream of the variant. In silico tools predict the variant to alter splicing and produce an abnormal transcript [SpliceAI: 0.95 (spliceogenicity >=0.2, non-spliceogenicity <0.1)]. The variant has been reported to be associated with MYBPC3-related disorder (ClinVar ID: VCV002444293 /3billion dataset). Therefore, this variant is classified as Pathogenic according to the recommendation of ACMG/AMP guideline.